The following is an entry in ClinVar:

ClinVar aggregate classification (germline): Uncertain significance. Review status: criteria provided, multiple submitters, no conflicts (2 of 4 stars). 2 submissions from 2 submitters: Uncertain significance (2). Last evaluated 2025-12-22.

Conditions:
PLXNA2-related disorder. Also called: PLXNA2-related condition.

Allele frequency attached by ClinVar (database versions not stated): ExAC 0.00001.
gnomAD v4.1: 8 of 1,611,046 alleles (0.0005%); highest among the groups gnomAD compares: Admixed American, 0.0051%; no homozygotes.

Submissions (2):

PreventionGenetics, part of Exact Sciences
Classification: Uncertain significance for PLXNA2-related condition. Last evaluated: 2025-12-22. Review status: criteria provided, single submitter. Criteria: ACMG Guidelines, 2015. Collection method: clinical testing. Allele origin: germline.
Comment: The PLXNA2 c.1391C>A variant is predicted to result in the amino acid substitution p.Pro464His. To our knowledge, this variant has not been reported in the literature. This variant is reported in 0.0089% of alleles in individuals of Latino descent in gnomAD. At this time, the clinical significance of this variant is uncertain due to the absence of conclusive functional and genetic evidence.

Labcorp Genetics (formerly Invitae), Labcorp
Classification: Uncertain significance. Last evaluated: 2025-11-10. Review status: criteria provided, single submitter. Criteria: Invitae Variant Classification Sherloc (09022015). Collection method: clinical testing. Allele origin: germline.
Comment: This sequence change replaces proline, which is neutral and non-polar, with histidine, which is basic and polar, at codon 464 of the PLXNA2 protein (p.Pro464His). This variant is present in population databases (rs778762105, gnomAD 0.009%). This variant has not been reported in the literature in individuals affected with PLXNA2-related conditions. ClinVar contains an entry for this variant (Variation ID: 1501290). Invitae Evidence Modeling of protein sequence and biophysical properties (such as structural, functional, and spatial information, amino acid conservation, physicochemical variation, residue mobility, and thermodynamic stability) indicates that this missense variant is not expected to disrupt PLXNA2 protein function with a negative predictive value of 80%. In summary, the available evidence is currently insufficient to determine the role of this variant in disease. Therefore, it has been classified as a Variant of Uncertain Significance.

NM_025179.4(PLXNA2):c.1391C>A (p.Pro464His)

Gene: PLXNA2 (plexin A2; minus strand). Cytogenetic location: 1q32.2.
Variant type: single nucleotide variant.
Coding change: c.1391C>A on transcript NM_025179.4 (MANE Select); coding-DNA position 1391, C replaced by A.
Protein change: p.Pro464His; replaces proline 464 with histidine.
Molecular consequence: missense variant.
Genome position (GRCh38, 1-based): chr1:208,142,444, G>T on the plus strand (C>A on the coding strand, the complement: PLXNA2 is on the minus strand). VCF-style: chr1-208142444-G-T. GRCh37 (hg19) VCF-style: chr1-208315789-G-T.
Other names: c.1391C>A (NM_025179.3); short protein forms P464H.
Identifiers: ClinVar variation 1501290 (VCV001501290.10), dbSNP rs778762105, ClinGen allele CA1373863.